The following is an entry in ClinVar:

NM_022089.4(ATP13A2):c.3164G>C (p.Ser1055Thr)

Gene: ATP13A2 (ATPase cation transporting 13A2; minus strand). Cytogenetic location: 1p36.13.
Variant type: single nucleotide variant.
Coding change: c.3164G>C on transcript NM_022089.4 (MANE Select); coding-DNA position 3164, G replaced by C.
Protein change: p.Ser1055Thr; replaces serine 1055 with threonine.
Molecular consequence: missense variant.
Genome position (GRCh38, 1-based): chr1:16,986,876, C>G on the plus strand (G>C on the coding strand, the complement: ATP13A2 is on the minus strand). VCF-style: chr1-16986876-C-G. GRCh37 (hg19) VCF-style: chr1-17313371-C-G.
Other names: c.3149G>C, p.Ser1050Thr (NM_001141973.3); c.3032G>C, p.Ser1011Thr (NM_001141974.3); short protein forms S1050T, S1011T, S1055T.
Identifiers: ClinVar variation 1397253 (VCV001397253.8), dbSNP rs1046254851, ClinGen allele CA18625726.
Genomic context (GRCh38, chr1:16,986,876, plus strand): 5'-AGCGGCCGGCGGAAGGGCGCCCCCTTGGACACGGCTGCAGCCAGGATGAGGTACTGGAAG[C>G]TGGACAGAGAGAAGACCACGGTGTTCTCGTAGTTGGGCAGGTTGTCTGGTGCGGCCACTG-3'
Protein context (NP_071372.1, residues 1045-1065): YENTVVFSLS[Ser1055Thr]FQYLILAAAV

ClinVar aggregate classification (germline): Uncertain significance. Review status: criteria provided, multiple submitters, no conflicts (2 of 4 stars). 2 submissions from 2 submitters: Uncertain significance (2). Last evaluated 2024-12-12.

Conditions:
Autosomal recessive spastic paraplegia type 78. Identifiers: Orphanet 513436, MedGen C5567893, MONDO:0014975, OMIM 617225.
Kufor-Rakeb syndrome (KRS). Also called: PARKINSON DISEASE 9, AUTOSOMAL RECESSIVE, JUVENILE-ONSET. Identifiers: Orphanet 306674, Orphanet 314632, MedGen C1847640, MONDO:0011706, OMIM 606693.

Allele frequency attached by ClinVar (database versions not stated): gnomAD exomes below 0.00001 and 0.00004; gnomAD 0.00001; TOPMed 0.00001.
gnomAD v4.1: 52 of 1,613,942 alleles (0.0032%); highest among the groups gnomAD compares: Non-Finnish European, 0.0043%; no homozygotes.

Submissions (2):

Labcorp Genetics (formerly Invitae), Labcorp
Classification: Uncertain significance for Kufor-Rakeb syndrome; Autosomal recessive spastic paraplegia type 78. Last evaluated: 2024-12-12. Review status: criteria provided, single submitter. Criteria: Invitae Variant Classification Sherloc (09022015). Collection method: clinical testing. Allele origin: germline.
Comment: This sequence change replaces serine, which is neutral and polar, with threonine, which is neutral and polar, at codon 1055 of the ATP13A2 protein (p.Ser1055Thr). This variant is present in population databases (no rsID available, gnomAD 0.002%). This variant has not been reported in the literature in individuals affected with ATP13A2-related conditions. ClinVar contains an entry for this variant (Variation ID: 1397253). Invitae Evidence Modeling of protein sequence and biophysical properties (such as structural, functional, and spatial information, amino acid conservation, physicochemical variation, residue mobility, and thermodynamic stability) indicates that this missense variant is not expected to disrupt ATP13A2 protein function with a negative predictive value of 80%. In summary, the available evidence is currently insufficient to determine the role of this variant in disease. Therefore, it has been classified as a Variant of Uncertain Significance.

Blueprint Genetics
Classification: Uncertain significance. Last evaluated: 2021-12-30. Review status: criteria provided, single submitter. Criteria: ACMG Guidelines, 2015. Collection method: clinical testing. Allele origin: germline.